The following is an entry in ClinVar:

ClinVar aggregate classification (germline): Benign. Review status: criteria provided, multiple submitters, no conflicts (2 of 4 stars). 3 submissions from 3 submitters: Benign (3). Last evaluated 2025-01-03.

Conditions:
MYO9A-related disorder. Also called: MYO9A-related condition.

Allele frequency attached by ClinVar (database versions not stated): 1000 Genomes Project 30x 0.00906; gnomAD exomes 0.00051 and 0.00147; ExAC 0.00185; gnomAD 0.00571 and 0.00599; ESP Exome Variant Server 0.00616; TOPMed 0.00653; 1000 Genomes Project 0.00839.
gnomAD v4.1: 1,668 of 1,612,112 alleles (0.1%); highest among the groups gnomAD compares: African/African-American, 1.9%; 16 homozygotes.

Submissions (3):

PreventionGenetics, part of Exact Sciences
Classification: Benign for MYO9A-related condition. Last evaluated: 2025-01-03. Review status: criteria provided, single submitter. Criteria: ACMG Guidelines, 2015. Collection method: clinical testing. Allele origin: germline.
Comment: This variant is classified as benign based on ACMG/AMP sequence variant interpretation guidelines (Richards et al. 2015 PMID: 25741868, with internal and published modifications).

Labcorp Genetics (formerly Invitae), Labcorp
Classification: Benign. Last evaluated: 2019-12-31. Review status: criteria provided, single submitter. Criteria: Invitae Variant Classification Sherloc (09022015). Collection method: clinical testing. Allele origin: germline.

Breakthrough Genomics
Classification: Benign. Review status: criteria provided, single submitter. Criteria: ACMG Guidelines, 2015. Collection method: not provided. Allele origin: germline. Inheritance: Autosomal recessive inheritance. Affected: yes.

NM_006901.4(MYO9A):c.2221A>G (p.Met741Val)

Gene: MYO9A (myosin IXA; minus strand). Cytogenetic location: 15q23.
Variant type: single nucleotide variant.
Coding change: c.2221A>G on transcript NM_006901.4 (MANE Select); coding-DNA position 2221, A replaced by G.
Protein change: p.Met741Val; replaces methionine 741 with valine.
Molecular consequence: missense variant.
Genome position (GRCh38, 1-based): chr15:71,951,858, T>C on the plus strand (A>G on the coding strand, the complement: MYO9A is on the minus strand). VCF-style: chr15-71951858-T-C. GRCh37 (hg19) VCF-style: chr15-72244199-T-C.
Other names: short protein forms M741V.
Identifiers: ClinVar variation 720503 (VCV000720503.6), dbSNP rs28548453, ClinGen allele CA7641949.
Genomic context (GRCh38, chr15:71,951,858, plus strand): 5'-TCTGCAGAATCTCTAAGCTCCTCTGGTGGACTGGGTGTTGGAGAAAGCTAAAACTATCCA[T>C]ACTTTTCAAAATTGCACATGGCGCTGTATCATCATGTCCTTAGGAAGCAAAAAAAAACAA-3'
Protein context (NP_008832.2, residues 731-751): DTAPCAILKS[Met741Val]DSFSFLQHPV